The following is an entry in ClinVar:

NM_005402.4(RALA):c.222C>G (p.Asp74Glu)

Gene: RALA (RAS like proto-oncogene A; plus strand). Cytogenetic location: 7p14.1.
Variant type: single nucleotide variant.
Coding change: c.222C>G on transcript NM_005402.4 (MANE Select); coding-DNA position 222, C replaced by G.
Protein change: p.Asp74Glu; replaces aspartic acid 74 with glutamic acid.
Molecular consequence: missense variant.
Genome position (GRCh38, 1-based): chr7:39,690,489, C>G. VCF-style: chr7-39690489-C-G. GRCh37 (hg19) VCF-style: chr7-39730088-C-G.
Other names: short protein forms D74E.
Identifiers: ClinVar variation 4802461 (VCV004802461.1).

ClinVar aggregate classification (germline): Uncertain significance (1 of 4 stars; one submission).

Submission:

Labcorp Genetics (formerly Invitae), Labcorp
Classification: Uncertain significance. Last evaluated: 2025-09-16. Review status: criteria provided, single submitter. Criteria: Invitae Variant Classification Sherloc (09022015). Collection method: clinical testing. Allele origin: germline.
Comment: This sequence change replaces aspartic acid, which is acidic and polar, with glutamic acid, which is acidic and polar, at codon 74 of the RALA protein (p.Asp74Glu). This variant is not present in population databases (gnomAD no frequency). This variant has not been reported in the literature in individuals affected with RALA-related conditions. Invitae Evidence Modeling of protein sequence and biophysical properties (such as structural, functional, and spatial information, amino acid conservation, physicochemical variation, residue mobility, and thermodynamic stability) indicates that this missense variant is not expected to disrupt RALA protein function with a negative predictive value of 95%. In summary, the available evidence is currently insufficient to determine the role of this variant in disease. Therefore, it has been classified as a Variant of Uncertain Significance.